The following is an entry in ClinVar:

NM_006846.4(SPINK5):c.1093-226A>G

Gene: SPINK5 (serine peptidase inhibitor Kazal type 5; plus strand). Cytogenetic location: 5q32.
Variant type: single nucleotide variant.
Coding change: c.1093-226A>G on transcript NM_006846.4 (MANE Select); 226 bases into the intron before coding-DNA position 1093, A replaced by G.
Molecular consequence: intron variant.
Genome position (GRCh38, 1-based): chr5:148,100,228, A>G. VCF-style: chr5-148100228-A-G. GRCh37 (hg19) VCF-style: chr5-147479791-A-G.
Other names: c.1093-226A>G (NM_001127698.2, NM_001127699.2).
Identifiers: ClinVar variation 677730 (VCV000677730.1), dbSNP rs73271118, ClinGen allele CA128918026.

ClinVar aggregate classification (germline): Benign (1 of 4 stars; one submission).

Allele frequency attached by ClinVar (database versions not stated): gnomAD 0.03999 and 0.04295; 1000 Genomes Project 0.04253; 1000 Genomes Project 30x 0.04528; TOPMed 0.04632.
gnomAD v4.1: 6,013 of 151,992 alleles (4%); highest among the groups gnomAD compares: African/African-American, 14%; 405 homozygotes.

Submission:

GeneDx
Classification: Benign. Last evaluated: 2018-06-19. Review status: criteria provided, single submitter. Criteria: GeneDx Variant Classification (06012015). Collection method: clinical testing. Allele origin: germline. Affected: yes.
Comment: This variant is considered likely benign or benign based on one or more of the following criteria: it is a conservative change, it occurs at a poorly conserved position in the protein, it is predicted to be benign by multiple in silico algorithms, and/or has population frequency not consistent with disease.